The following is an entry in ClinVar:

NM_005592.4(MUSK):c.628+22C>G

Gene: MUSK (muscle associated receptor tyrosine kinase; plus strand). Cytogenetic location: 9q31.3.
Variant type: single nucleotide variant.
Coding change: c.628+22C>G on transcript NM_005592.4 (MANE Select); 22 bases into the intron after coding-DNA position 628, C replaced by G.
Molecular consequence: intron variant.
Genome position (GRCh38, 1-based): chr9:110,697,488, C>G. VCF-style: chr9-110697488-C-G. GRCh37 (hg19) VCF-style: chr9-113459768-C-G.
Other names: c.628+22C>G (NM_001166280.2, NM_001166281.2).
Identifiers: ClinVar variation 259811 (VCV000259811.3), dbSNP rs41279053, ClinGen allele CA5184067.
Genomic context (GRCh38, chr9:110,697,488, plus strand): 5'-GGACAGCATATTCCAAAGTGGTGAAGCTGGAAGTTGAGGGTAAGGAGCTGCATTTCTTCC[C>G]CTGACTGTGTGACCAGGGGCCTCACTGTCTACTGTGAAGGCTGCACCTGGGCTTGGGAGA-3'

ClinVar aggregate classification (germline): Benign. Review status: criteria provided, multiple submitters, no conflicts (2 of 4 stars). 3 submissions from 3 submitters: Benign (3). Last evaluated 2018-06-16.

Allele frequency attached by ClinVar (database versions not stated): ESP Exome Variant Server 0.05828; TOPMed 0.05992; 1000 Genomes Project 30x 0.06871; 1000 Genomes Project 0.06909.
gnomAD v4.1: 91,419 of 1,601,228 alleles (5.7%); highest among the groups gnomAD compares: East Asian, 8.9%; 2,792 homozygotes.

Submissions (3):

GeneDx
Classification: Benign. Last evaluated: 2018-06-16. Review status: criteria provided, single submitter. Criteria: GeneDx Variant Classification (06012015). Collection method: clinical testing. Allele origin: germline. Affected: yes.
Comment: This variant is considered likely benign or benign based on one or more of the following criteria: it is a conservative change, it occurs at a poorly conserved position in the protein, it is predicted to be benign by multiple in silico algorithms, and/or has population frequency not consistent with disease.

Breakthrough Genomics
Classification: Benign. Review status: criteria provided, single submitter. Criteria: ACMG Guidelines, 2015. Collection method: not provided. Allele origin: germline. Inheritance: Autosomal recessive inheritance. Affected: yes.

PreventionGenetics, part of Exact Sciences
Classification: Benign. Review status: criteria provided, single submitter. Criteria: ACMG Guidelines, 2015. Collection method: clinical testing. Allele origin: germline.